The following is an entry in ClinVar:

NC_000013.10:g.(?_52531632)_(52532700_?)del

Gene: ATP7B (ATPase copper transporting beta; minus strand). Cytogenetic location: 13q14.3.
Variant type: Deletion.
Identifiers: ClinVar variation 2422249 (VCV002422249.4).

ClinVar aggregate classification (germline): Pathogenic (1 of 4 stars; one submission).

Conditions:
Wilson disease (WND). Also called: Wilson's disease. Identifiers: Orphanet 905, MedGen C0019202, MONDO:0010200, OMIM 277900. Disease mechanism: loss of function.

Submission:

Labcorp Genetics (formerly Invitae), Labcorp
Classification: Pathogenic for Wilson disease. Last evaluated: 2022-04-08. Review status: criteria provided, single submitter. Criteria: Invitae Variant Classification Sherloc (09022015). Collection method: clinical testing. Allele origin: germline.
Comment: This variant is a gross deletion of the genomic region encompassing exon(s) 8-9 of the ATP7B gene. This deletion is out-of-frame, and is expected to create a premature termination codon and result in an absent or disrupted protein product. Loss-of-function variants in ATP7B are known to be pathogenic (PMID: 10441329, 16283883). This variant has not been reported in the literature in individuals affected with ATP7B-related conditions. For these reasons, this variant has been classified as Pathogenic.

Literature cited by the submitters: PubMed 10441329; PubMed 16283883.